The following is an entry in ClinVar:

ClinVar aggregate classification (germline): Likely benign. Review status: criteria provided, multiple submitters, no conflicts (2 of 4 stars). 2 submissions from 2 submitters: Likely benign (2). Last evaluated 2025-02-07.

Conditions:
Colorectal cancer, susceptibility to, 12 (CRCS12). Also called: COLORECTAL CANCER, SUSCEPTIBILITY TO, ON CHROMOSOME 12q24. Identifiers: Orphanet 220460, MedGen C3554460, MONDO:0014038, OMIM 615083.

Submissions (2):

Myriad Genetics, Inc.
Classification: Likely benign for Colorectal cancer, susceptibility to, 12. Last evaluated: 2025-02-07. Review status: criteria provided, single submitter. Criteria: Myriad Autosomal Dominant, Autosomal Recessive and X-Linked Classification Criteria (2023). Collection method: clinical testing. Allele origin: unknown.
Comment: This variant is considered likely benign. This variant is intronic and is not expected to impact mRNA splicing.

Labcorp Genetics (formerly Invitae), Labcorp
Classification: Likely benign. Last evaluated: 2023-03-26. Review status: criteria provided, single submitter. Criteria: Invitae Variant Classification Sherloc (09022015). Collection method: clinical testing. Allele origin: germline.

NM_006231.4(POLE):c.910-15A>C

Gene: POLE (DNA polymerase epsilon, catalytic subunit; minus strand). Cytogenetic location: 12q24.33.
Variant type: single nucleotide variant.
Coding change: c.910-15A>C on transcript NM_006231.4 (MANE Select); 15 bases into the intron before coding-DNA position 910, A replaced by C.
Molecular consequence: intron variant.
Genome position (GRCh38, 1-based): chr12:132,676,219, T>G on the plus strand (A>C on the coding strand, the complement: POLE is on the minus strand). VCF-style: chr12-132676219-T-G. GRCh37 (hg19) VCF-style: chr12-133252805-T-G.
Identifiers: ClinVar variation 2733196 (VCV002733196.4), dbSNP rs2542168305, ClinGen allele CA2697551616.